The following is an entry in ClinVar:

NM_005359.6(SMAD4):c.1159G>A (p.Val387Met)

Gene: SMAD4 (SMAD family member 4; plus strand). Cytogenetic location: 18q21.2.
Variant type: single nucleotide variant.
Coding change: c.1159G>A on transcript NM_005359.6 (MANE Select); coding-DNA position 1159, G replaced by A.
Protein change: p.Val387Met; replaces valine 387 with methionine.
Molecular consequence: missense variant.
Genome position (GRCh38, 1-based): chr18:51,067,038, G>A. VCF-style: chr18-51067038-G-A. GRCh37 (hg19) VCF-style: chr18-48593408-G-A.
Other names: short protein forms V387M.
Identifiers: ClinVar variation 484808 (VCV000484808.16), dbSNP rs1010877617, ClinGen allele CA300091920.

ClinVar aggregate classification (germline): Uncertain significance. Review status: criteria provided, multiple submitters, no conflicts (2 of 4 stars). 2 submissions from 2 submitters: Uncertain significance (2). Last evaluated 2026-05-27.

Conditions:
Familial thoracic aortic aneurysm and aortic dissection (TAAD). Also called: Thoracic aortic aneurysms and dissections. Identifiers: Orphanet 91387, MedGen C4707243, MONDO:0019625.
Hereditary cancer-predisposing syndrome. Also called: Tumor predisposition; Hereditary neoplastic syndrome; Neoplastic Syndromes, Hereditary; Hereditary Cancer Syndrome. Identifiers: Orphanet 140162, MedGen C0027672, MeSH D009386, MONDO:0015356.
Juvenile polyposis syndrome (JPS). Identifiers: Orphanet 2929, MedGen C0345893, MONDO:0017380, OMIM 174900.

Submissions (2):

Ambry Genetics
Classification: Uncertain significance for Hereditary cancer-predisposing syndrome; Familial thoracic aortic aneurysm and aortic dissection. Last evaluated: 2026-05-27. Review status: criteria provided, single submitter. Criteria: Ambry Variant Classification Scheme 2023. Collection method: clinical testing. Allele origin: germline.
Comment: The p.V387M variant (also known as c.1159G>A), located in coding exon 9 of the SMAD4 gene, results from a G to A substitution at nucleotide position 1159. The valine at codon 387 is replaced by methionine, an amino acid with highly similar properties. This amino acid position is highly conserved in available vertebrate species. In addition, this alteration is predicted to be deleterious by in silico analysis. Based on the available evidence, the clinical significance of this variant remains unclear.

Labcorp Genetics (formerly Invitae), Labcorp
Classification: Uncertain significance for Juvenile polyposis syndrome. Last evaluated: 2025-12-17. Review status: criteria provided, single submitter. Criteria: Invitae Variant Classification Sherloc (09022015). Collection method: clinical testing. Allele origin: germline.
Comment: This sequence change replaces valine, which is neutral and non-polar, with methionine, which is neutral and non-polar, at codon 387 of the SMAD4 protein (p.Val387Met). This variant is not present in population databases (gnomAD no frequency). This variant has not been reported in the literature in individuals affected with SMAD4-related conditions. ClinVar contains an entry for this variant (Variation ID: 484808). Invitae Evidence Modeling of protein sequence and biophysical properties (such as structural, functional, and spatial information, amino acid conservation, physicochemical variation, residue mobility, and thermodynamic stability) has been performed for this missense variant. However, the output from this modeling did not meet the statistical confidence thresholds required to predict the impact of this variant on SMAD4 protein function. In summary, the available evidence is currently insufficient to determine the role of this variant in disease. Therefore, it has been classified as a Variant of Uncertain Significance.